The following is an entry in ClinVar:

ClinVar aggregate classification (germline): Uncertain significance. Review status: criteria provided, multiple submitters, no conflicts (2 of 4 stars). 2 submissions from 2 submitters: Uncertain significance (2). Last evaluated 2024-05-04.

Conditions:
Inborn genetic diseases. Identifiers: MedGen C0950123, MeSH D030342.
Pulmonary fibrosis and/or bone marrow failure, Telomere-related, 3. Also called: PULMONARY FIBROSIS AND/OR BONE MARROW FAILURE SYNDROME, TELOMERE-RELATED, 3. Identifiers: Orphanet 2032, MedGen C4225346, MONDO:0014613, OMIM 616373.
Dyskeratosis congenita, autosomal recessive 5 (DKCB5). Identifiers: MedGen C3554656, MONDO:0014076, OMIM 615190.

Allele frequency attached by ClinVar (database versions not stated): ExAC 0.00002.
gnomAD v4.1: 5 of 1,612,580 alleles (0.00031%); highest among the groups gnomAD compares: Admixed American, 0.0017%; no homozygotes.

Submissions (2):

Labcorp Genetics (formerly Invitae), Labcorp
Classification: Uncertain significance for Dyskeratosis congenita, autosomal recessive 5; Pulmonary fibrosis and/or bone marrow failure, Telomere-related, 3. Last evaluated: 2024-05-04. Review status: criteria provided, single submitter. Criteria: Invitae Variant Classification Sherloc (09022015). Collection method: clinical testing. Allele origin: germline.
Comment: This sequence change replaces alanine, which is neutral and non-polar, with threonine, which is neutral and polar, at codon 896 of the RTEL1 protein (p.Ala896Thr). This variant is present in population databases (rs769828971, gnomAD 0.003%). This variant has not been reported in the literature in individuals affected with RTEL1-related conditions. ClinVar contains an entry for this variant (Variation ID: 2170774). An algorithm developed to predict the effect of missense changes on protein structure and function (PolyPhen-2) suggests that this variant is likely to be disruptive. In summary, the available evidence is currently insufficient to determine the role of this variant in disease. Therefore, it has been classified as a Variant of Uncertain Significance.

Ambry Genetics
Classification: Uncertain significance for Inborn genetic diseases. Last evaluated: 2023-03-29. Review status: criteria provided, single submitter. Criteria: Ambry Variant Classification Scheme 2023. Collection method: clinical testing. Allele origin: germline.
Comment: The p.A920T variant (also known as c.2758G>A), located in coding exon 28 of the RTEL1 gene, results from a G to A substitution at nucleotide position 2758. The alanine at codon 920 is replaced by threonine, an amino acid with similar properties. This amino acid position is conserved. In addition, this alteration is predicted to be tolerated by in silico analysis. Since supporting evidence is limited at this time, the clinical significance of this alteration remains unclear.

NM_001283009.2(RTEL1):c.2686G>A (p.Ala896Thr)

Genes: RTEL1 (regulator of telomere elongation helicase 1; plus strand), RTEL1-TNFRSF6B (RTEL1-TNFRSF6B readthrough (NMD candidate); plus strand). Cytogenetic location: 20q13.33.
Variant type: single nucleotide variant.
Coding change: c.2686G>A on transcript NM_001283009.2 (MANE Select); coding-DNA position 2686, G replaced by A.
Protein change: p.Ala896Thr; replaces alanine 896 with threonine.
Molecular consequence: missense variant. On other transcripts: non-coding transcript variant (1).
Genome position (GRCh38, 1-based): chr20:63,692,838, G>A. VCF-style: chr20-63692838-G-A. GRCh37 (hg19) VCF-style: chr20-62324191-G-A.
Other names: c.2017G>A, p.Ala673Thr (NM_001283010.1); c.2686G>A, p.Ala896Thr (NM_016434.4); c.2758G>A, p.Ala920Thr (NM_032957.5); c.2758G>A (NM_032957.4); short protein forms A920T, A896T, A673T.
Identifiers: ClinVar variation 2170774 (VCV002170774.5), dbSNP rs769828971, ClinGen allele CA9965501.